The following is an entry in ClinVar:

NM_025081.3(NYNRIN):c.551C>T (p.Ala184Val)

Gene: NYNRIN (NYN domain and retroviral integrase containing; plus strand). Cytogenetic location: 14q12.
Variant type: single nucleotide variant.
Coding change: c.551C>T on transcript NM_025081.3 (MANE Select); coding-DNA position 551, C replaced by T.
Protein change: p.Ala184Val; replaces alanine 184 with valine.
Molecular consequence: missense variant.
Genome position (GRCh38, 1-based): chr14:24,408,221, C>T. VCF-style: chr14-24408221-C-T. GRCh37 (hg19) VCF-style: chr14-24877427-C-T.
Other names: short protein forms A184V.
Identifiers: ClinVar variation 3377789 (VCV003377789.1).
Genomic context (GRCh38, chr14:24,408,221, plus strand): 5'-GGGCCCTGGTCTGGATCCGTGGTGACCAGCATGCAGGGGACCTACTGCAGCTGCCCCCAG[C>T]GGTCCAGGAGCTGCTGCTGAGCCTGGTGCGGGATGCTGCGGGCAAGGAAGACATCATCGA-3'
Protein context (NP_079357.2, residues 174-194): HAGDLLQLPP[Ala184Val]VQELLLSLVR

ClinVar aggregate classification (germline): Uncertain significance (1 of 4 stars; one submission).

Conditions:
Wilms Tumor Predisposition. Identifiers: MedGen CN381522.

gnomAD v4.1: 24 of 1,604,176 alleles (0.0015%); highest among the groups gnomAD compares: African/African-American, 0.0067%; no homozygotes.

Submission:

St. Jude Molecular Pathology, St. Jude Children's Research Hospital
Classification: Uncertain significance for Wilms tumor predisposition. Last evaluated: 2024-06-10. Review status: criteria provided, single submitter. Criteria: St. Jude Assertion Criteria 2020. Collection method: clinical testing. Allele origin: germline.
Comment: The NYNRIN c.551C>T (p.Ala184Val) missense change has a maximum founder subpopulation frequency of 0.01% and a maximum non-founder subpopulation frequency of 0.003% in gnomAD v2.1.1. The in silico tool REVEL predicts a benign effect on protein function, but this prediction has not been confirmed by functional studies. This variant has not been reported in individuals with Wilms tumor. In summary, the evidence currently available is insufficient to determine the clinical significance of this variant. It has therefore been classified as of uncertain significance.